The following is an entry in ClinVar:

NM_018136.5(ASPM):c.7991T>C (p.Val2664Ala)

Gene: ASPM (assembly factor for spindle microtubules; minus strand). Cytogenetic location: 1q31.3.
Variant type: single nucleotide variant.
Coding change: c.7991T>C on transcript NM_018136.5 (MANE Select); coding-DNA position 7991, T replaced by C.
Protein change: p.Val2664Ala; replaces valine 2664 with alanine.
Molecular consequence: missense variant. On other transcripts: intron variant (1).
Genome position (GRCh38, 1-based): chr1:197,101,260, A>G on the plus strand (T>C on the coding strand, the complement: ASPM is on the minus strand). VCF-style: chr1-197101260-A-G. GRCh37 (hg19) VCF-style: chr1-197070390-A-G.
Other names: c.4066-5096T>C (NM_001206846.2); short protein forms V2664A.
Identifiers: ClinVar variation 1374678 (VCV001374678.6), dbSNP rs1211408172, ClinGen allele CA344014383.
Genomic context (GRCh38, chr1:197,101,260, plus strand): 5'-TCCTTTCGTACTTTAAAGCCTCTGTAATAAGACTGTATACAAATAACTGCTTGGGTACGC[A>G]CTGCAGTTAGTTTTCTGTATCTTCTTTGAATAGAAACTACTGTTGCTCTAAGGTGGAGAT-3'
Protein context (NP_060606.3, residues 2654-2674): IQRRYRKLTA[Val2664Ala]RTQAVICIQS

ClinVar aggregate classification (germline): Uncertain significance (1 of 4 stars; one submission).

Allele frequency attached by ClinVar (database versions not stated): gnomAD exomes below 0.00001.
gnomAD v4.1: 1 of 1,611,862 alleles (0.000062%); highest among the groups gnomAD compares: Non-Finnish European, 0.000085%; no homozygotes.

Submission:

Labcorp Genetics (formerly Invitae), Labcorp
Classification: Uncertain significance. Last evaluated: 2021-08-12. Review status: criteria provided, single submitter. Criteria: Invitae Variant Classification Sherloc (09022015). Collection method: clinical testing. Allele origin: germline.
Comment: This variant is not present in population databases (ExAC no frequency). This sequence change replaces valine with alanine at codon 2664 of the ASPM protein (p.Val2664Ala). The valine residue is weakly conserved and there is a small physicochemical difference between valine and alanine. In summary, the available evidence is currently insufficient to determine the role of this variant in disease. Therefore, it has been classified as a Variant of Uncertain Significance. Algorithms developed to predict the effect of missense changes on protein structure and function output the following: SIFT: "Tolerated"; PolyPhen-2: "Benign"; Align-GVGD: "Class C0". The alanine amino acid residue is found in multiple mammalian species, which suggests that this missense change does not adversely affect protein function. This variant has not been reported in the literature in individuals affected with ASPM-related conditions.